The following is an entry in ClinVar:

ClinVar aggregate classification (germline): Likely pathogenic (1 of 4 stars; one submission).

gnomAD v4.1: 2 of 1,613,980 alleles (0.00012%); highest among the groups gnomAD compares: Non-Finnish European, 0.00017%; no homozygotes.

Submission:

Labcorp Genetics (formerly Invitae), Labcorp
Classification: Likely pathogenic. Last evaluated: 2025-11-28. Review status: criteria provided, single submitter. Criteria: Invitae Variant Classification Sherloc (09022015). Collection method: clinical testing. Allele origin: germline.
Comment: This sequence change affects a donor splice site in intron 1 of the IFT43 gene. It is expected to disrupt RNA splicing. Variants that disrupt the donor or acceptor splice site typically lead to a loss of protein function (PMID: 16199547), and loss-of-function variants in IFT43 are known to be pathogenic (PMID: 21378380, 28400947). This variant is present in population databases (rs112406324, gnomAD 0.0009%). This variant has not been reported in the literature in individuals affected with IFT43-related conditions. Algorithms developed to predict the effect of sequence changes on RNA splicing suggest that this variant may disrupt the consensus splice site. In summary, the currently available evidence indicates that the variant is pathogenic, but additional data are needed to prove that conclusively. Therefore, this variant has been classified as Likely Pathogenic.

Literature cited by the submitters: PubMed 16199547; PubMed 21378380; PubMed 28400947.

NM_001102564.3(IFT43):c.54+1G>C

Gene: IFT43 (intraflagellar transport 43; plus strand). Cytogenetic location: 14q24.3.
Variant type: single nucleotide variant.
Coding change: c.54+1G>C on transcript NM_001102564.3 (MANE Select); the canonical splice donor site of the intron after coding-DNA position 54, G replaced by C.
Molecular consequence: splice donor variant.
Genome position (GRCh38, 1-based): chr14:75,985,841, G>C. VCF-style: chr14-75985841-G-C. GRCh37 (hg19) VCF-style: chr14-76452184-G-C.
Other names: c.54+1G>C (NM_052873.3, NM_001255995.3).
Identifiers: ClinVar variation 4770360 (VCV004770360.1).